The following is an entry in ClinVar:

ClinVar aggregate classification (germline): Benign/Likely benign. Review status: criteria provided, multiple submitters, no conflicts (2 of 4 stars). 16 submissions from 15 submitters: Benign (13); Likely benign (1). 2 of the submissions do not count toward it. Last evaluated 2026-02-04.

Conditions:
Autoinflammatory syndrome. Identifiers: Orphanet 93665, MedGen C3890737, MONDO:0019751.
Inborn genetic diseases. Identifiers: MedGen C0950123, MeSH D030342.
Familial Mediterranean fever, autosomal dominant. Also called: FMF, AUTOSOMAL DOMINANT; Dominant Familial Mediterranean Fever. Identifiers: Orphanet 342, MedGen C1851347, MONDO:0007601, OMIM 134610.
Familial Mediterranean fever (FMF). Also called: Periodic peritonitis; Benign paroxysmal peritonitis; POLYSEROSITIS, FAMILIAL PAROXYSMAL; POLYSEROSITIS, RECURRENT. Identifiers: Orphanet 342, MedGen C0031069, MONDO:0018088, OMIM 249100. Disease mechanism: gain of function.

Allele frequency attached by ClinVar (database versions not stated): 1000 Genomes Project 0.13598; 1000 Genomes Project 30x 0.13976; ESP Exome Variant Server 0.18032; TOPMed 0.20029; gnomAD 0.20531 and 0.20976; gnomAD exomes 0.23772; ExAC 0.25550.

Submissions (16):

Labcorp Genetics (formerly Invitae), Labcorp
Classification: Benign for Familial Mediterranean fever. Last evaluated: 2026-02-04. Review status: criteria provided, single submitter. Criteria: Invitae Variant Classification Sherloc (09022015). Collection method: clinical testing. Allele origin: germline.

ARUP Laboratories, Molecular Genetics and Genomics, ARUP Laboratories
Classification: Benign. Last evaluated: 2025-07-31. Review status: criteria provided, single submitter. Criteria: ARUP Molecular Germline Variant Investigation Process 2024. Collection method: clinical testing. Allele origin: germline.

Blueprint Genetics
Classification: Likely benign. Last evaluated: 2024-11-27. Review status: criteria provided, single submitter. Criteria: ACMG Guidelines, 2015. Collection method: clinical testing. Allele origin: germline.

Unidad de Genómica Garrahan, Hospital de Pediatría Garrahan
Classification: Benign. Last evaluated: 2023-11-12. Review status: criteria provided, single submitter. Criteria: ACMG Guidelines, 2015. Collection method: clinical testing. Allele origin: germline. Affected: no. Observed: 50 variant alleles.
Comment: This variant is classified as Benign based on local population frequency. This variant was detected in 52% of patients studied by a panel of primary immunodeficiencies. Number of patients: 50. Only high quality variants are reported.

Mayo Clinic Laboratories, Mayo Clinic
Classification: Benign. Last evaluated: 2022-11-14. Review status: criteria provided, single submitter. Criteria: ACMG Guidelines, 2015. Collection method: clinical testing. Allele origin: germline. Observed: 569 variant alleles.
Comment: BA1, BP4

Genome Diagnostics Laboratory, The Hospital for Sick Children
Classification: Benign for Autoinflammatory syndrome. Last evaluated: 2022-01-20. Review status: criteria provided, single submitter. Criteria: ACMG Guidelines, 2015. Collection method: clinical testing. Allele origin: germline. Affected: yes.

Genome-Nilou Lab
Classification: Benign for Familial Mediterranean fever, autosomal dominant. Last evaluated: 2021-07-01. Review status: criteria provided, single submitter. Criteria: ACMG Guidelines, 2015. Collection method: clinical testing. Allele origin: germline. Affected: no.

Genome-Nilou Lab
Classification: Benign for Familial Mediterranean fever. Last evaluated: 2021-07-01. Review status: criteria provided, single submitter. Criteria: ACMG Guidelines, 2015. Collection method: clinical testing. Allele origin: germline. Affected: no.

Illumina Laboratory Services, Illumina
Classification: Benign for Familial Mediterranean fever. Last evaluated: 2018-03-06. Review status: criteria provided, single submitter. Criteria: ICSL Variant Classification Criteria 13 December 2019. Collection method: clinical testing. Allele origin: germline.
Comment: This variant was observed in the ICSL laboratory as part of a predisposition screen in an ostensibly healthy population. It had not been previously curated by ICSL or reported in the Human Gene Mutation Database (HGMD: prior to June 1st, 2018), and was therefore a candidate for classification through an automated scoring system. Utilizing variant allele frequency, disease prevalence and penetrance estimates, and inheritance mode, an automated score was calculated to assess if this variant is too frequent to cause the disease. Based on the score and internal cut-off values, a variant classified as benign is not then subjected to further curation. The score for this variant resulted in a classification of benign for this disease.

Eurofins Ntd Llc (ga)
Classification: Benign. Last evaluated: 2015-05-05. Review status: criteria provided, single submitter. Criteria: EGL Classification Definitions 2015. Collection method: clinical testing. Allele origin: germline. Observed: 2 variant alleles, 2 heterozygotes.

Ambry Genetics
Classification: Benign for Inborn genetic diseases. Last evaluated: 2014-08-12. Review status: criteria provided, single submitter. Criteria: Ambry Variant Classification Scheme 2023. Collection method: clinical testing. Allele origin: germline.

GeneDx
Classification: Benign. Last evaluated: 2011-12-09. Review status: criteria provided, single submitter. Criteria: GeneDx Variant Classification (06012015). Collection method: clinical testing. Allele origin: germline. Affected: yes.
Comment: This variant is considered likely benign or benign based on one or more of the following criteria: it is a conservative change, it occurs at a poorly conserved position in the protein, it is predicted to be benign by multiple in silico algorithms, and/or has population frequency not consistent with disease.

Breakthrough Genomics
Classification: Benign. Review status: criteria provided, single submitter. Criteria: ACMG Guidelines, 2015. Collection method: not provided. Allele origin: germline. Inheritance: Autosomal recessive inheritance. Affected: yes.

PreventionGenetics, part of Exact Sciences
Classification: Benign. Review status: criteria provided, single submitter. Criteria: ACMG Guidelines, 2015. Collection method: clinical testing. Allele origin: germline.

Women's Health and Genetics/Laboratory Corporation of America, LabCorp
Classification: Benign for Familial Mediterranean Fever. Last evaluated: 2011-11-15. Review status: no assertion criteria provided. Collection method: clinical testing. Allele origin: germline. Not counted in ClinVar's aggregate classification.

Department of Pathology and Laboratory Medicine, Sinai Health System
Classification: Uncertain significance. Review status: no assertion criteria provided. Collection method: clinical testing. Allele origin: unknown. Affected: yes. Study: The Canadian Open Genetics Repository (COGR). Not counted in ClinVar's aggregate classification.
Comment: Allele frequency is common in at least one population database (frequency: 41.265% in ExAC) based on the frequency threshold of 1.904% for this gene. Variant was observed in a homozygous state in population databases more than expected for disease.

NM_000243.3(MEFV):c.605G>A (p.Arg202Gln)

Gene: MEFV (MEFV innate immunity regulator, pyrin; minus strand). Cytogenetic location: 16p13.3.
Variant type: single nucleotide variant.
Coding change: c.605G>A on transcript NM_000243.3 (MANE Select); coding-DNA position 605, G replaced by A.
Protein change: p.Arg202Gln; replaces arginine 202 with glutamine.
Molecular consequence: missense variant. On other transcripts: intron variant (1).
Genome position (GRCh38, 1-based): chr16:3,254,463, C>T on the plus strand (G>A on the coding strand, the complement: MEFV is on the minus strand). VCF-style: chr16-3254463-C-T. GRCh37 (hg19) VCF-style: chr16-3304463-C-T.
Other names: p.R202Q:CGG>CAG; c.277+1848G>A (NM_001198536.2); short protein forms R202Q.
Identifiers: ClinVar variation 36512 (VCV000036512.41), dbSNP rs224222, ClinGen allele CA201521.
Genomic context (GRCh38, chr16:3,254,463, plus strand): 5'-CCCGGGGCGCCCCCCGCCAGCCCCTGCAGCCTCCCCGCGGAGCTGGCGTTTCTGCGCAGC[C>T]GGACCTCGGCCTGGCCCCCCTCTAGCGCCCTGCAGGGGCCGGGGCTTCTCCCGCCCGGCA-3'
Protein context (NP_000234.1, residues 192-212): RALEGGQAEV[Arg202Gln]LRRNASSAGR